The following is an entry in ClinVar:

NM_001349253.2(SCN11A):c.4604A>G (p.Lys1535Arg)

Gene: SCN11A (sodium voltage-gated channel alpha subunit 11; minus strand). Cytogenetic location: 3p22.2.
Variant type: single nucleotide variant.
Coding change: c.4604A>G on transcript NM_001349253.2 (MANE Select); coding-DNA position 4604, A replaced by G.
Protein change: p.Lys1535Arg; replaces lysine 1535 with arginine.
Molecular consequence: missense variant.
Genome position (GRCh38, 1-based): chr3:38,847,466, T>C on the plus strand (A>G on the coding strand, the complement: SCN11A is on the minus strand). VCF-style: chr3-38847466-T-C. GRCh37 (hg19) VCF-style: chr3-38888957-T-C.
Other names: c.4604A>G, p.Lys1535Arg (NM_014139.3); short protein forms K1535R.
Identifiers: ClinVar variation 474730 (VCV000474730.7), dbSNP rs1553630322, ClinGen allele CA352163225.

ClinVar aggregate classification (germline): Uncertain significance. Review status: criteria provided, multiple submitters, no conflicts (2 of 4 stars). 3 submissions from 3 submitters: Uncertain significance (2). 1 of the submissions does not count toward it. Last evaluated 2025-05-23.

Conditions:
Charcot-Marie-Tooth disease. Also called: Charcot-Marie-Tooth Neuropathy; Charcot-Marie-Tooth Hereditary Neuropathy. Identifiers: Orphanet 166, MedGen C0007959, MONDO:0015626.
Inborn genetic diseases. Identifiers: MedGen C0950123, MeSH D030342.
Hereditary sensory and autonomic neuropathy type 7. Also called: HSAN VII; Neuropathy, hereditary sensory and autonomic, type VII. Identifiers: Orphanet 391397, MedGen C3809882, MONDO:0014244, OMIM 615548.
Familial episodic pain syndrome with predominantly lower limb involvement. Also called: Episodic pain syndrome, familial, 3. Identifiers: Orphanet 391384, Orphanet 391392, MedGen C3809899, MONDO:0014247, OMIM 615552.

Allele frequency attached by ClinVar (database versions not stated): gnomAD exomes below 0.00001.
gnomAD v4.1: 3 of 1,614,238 alleles (0.00019%); highest among the groups gnomAD compares: Non-Finnish European, 0.00025%; no homozygotes.

Submissions (3):

Ambry Genetics
Classification: Uncertain significance for Inborn genetic diseases. Last evaluated: 2025-05-23. Review status: criteria provided, single submitter. Criteria: Ambry Variant Classification Scheme 2023. Collection method: clinical testing. Allele origin: germline.

Labcorp Genetics (formerly Invitae), Labcorp
Classification: Uncertain significance for Familial episodic pain syndrome with predominantly lower limb involvement; Hereditary sensory and autonomic neuropathy type 7. Last evaluated: 2023-06-04. Review status: criteria provided, single submitter. Criteria: Invitae Variant Classification Sherloc (09022015). Collection method: clinical testing. Allele origin: germline.
Comment: In summary, the available evidence is currently insufficient to determine the role of this variant in disease. Therefore, it has been classified as a Variant of Uncertain Significance. Advanced modeling of protein sequence and biophysical properties (such as structural, functional, and spatial information, amino acid conservation, physicochemical variation, residue mobility, and thermodynamic stability) performed at Invitae indicates that this missense variant is not expected to disrupt SCN11A protein function. ClinVar contains an entry for this variant (Variation ID: 474730). This variant has not been reported in the literature in individuals affected with SCN11A-related conditions. This variant is not present in population databases (gnomAD no frequency). This sequence change replaces lysine, which is basic and polar, with arginine, which is basic and polar, at codon 1535 of the SCN11A protein (p.Lys1535Arg).

Inherited Neuropathy Consortium
Classification: Uncertain significance for Charcot-Marie-Tooth disease. Review status: no assertion criteria provided. Collection method: provider interpretation. Allele origin: inherited. Affected: yes. Not counted in ClinVar's aggregate classification.